The following is an entry in ClinVar:

ClinVar aggregate classification (germline): Uncertain significance (1 of 4 stars; one submission).

gnomAD v4.1: 1 of 1,614,216 alleles (0.000062%); highest among the groups gnomAD compares: Non-Finnish European, 0.000085%; no homozygotes.

Submission:

GeneDx
Classification: Uncertain significance. Last evaluated: 2024-11-04. Review status: criteria provided, single submitter. Criteria: GeneDx Variant Classification Process June 2021. Collection method: clinical testing. Allele origin: germline. Affected: yes.
Comment: Not observed at significant frequency in large population cohorts (gnomAD); In silico analysis indicates that this missense variant does not alter protein structure/function; Has not been previously published as pathogenic or benign to our knowledge.

NM_003128.3(SPTBN1):c.4147G>A (p.Glu1383Lys)

Gene: SPTBN1 (spectrin beta, non-erythrocytic 1; plus strand). Cytogenetic location: 2p16.2.
Variant type: single nucleotide variant.
Coding change: c.4147G>A on transcript NM_003128.3 (MANE Select); coding-DNA position 4147, G replaced by A.
Protein change: p.Glu1383Lys; replaces glutamic acid 1383 with lysine.
Molecular consequence: missense variant.
Genome position (GRCh38, 1-based): chr2:54,644,464, G>A. VCF-style: chr2-54644464-G-A. GRCh37 (hg19) VCF-style: chr2-54871601-G-A.
Other names: c.4108G>A, p.Glu1370Lys (NM_178313.3); short protein forms E1370K, E1383K.
Identifiers: ClinVar variation 3897081 (VCV003897081.1).